The following is an entry in ClinVar:

NM_001291303.3(FAT4):c.7579G>A (p.Ala2527Thr)

Gene: FAT4 (FAT atypical cadherin 4; plus strand). Cytogenetic location: 4q28.1.
Variant type: single nucleotide variant.
Coding change: c.7579G>A on transcript NM_001291303.3 (MANE Select); coding-DNA position 7579, G replaced by A.
Protein change: p.Ala2527Thr; replaces alanine 2527 with threonine.
Molecular consequence: missense variant.
Genome position (GRCh38, 1-based): chr4:125,448,589, G>A. VCF-style: chr4-125448589-G-A. GRCh37 (hg19) VCF-style: chr4-126369744-G-A.
Other names: c.7579G>A, p.Ala2527Thr (NM_001291285.3); c.7573G>A, p.Ala2525Thr (NM_024582.6); c.7573G>A (NM_024582.5, NM_024582.4); short protein forms A2527T, A2525T.
Identifiers: ClinVar variation 1494253 (VCV001494253.7), dbSNP rs201007539, ClinGen allele CA3073220.

ClinVar aggregate classification (germline): Uncertain significance. Review status: criteria provided, multiple submitters, no conflicts (2 of 4 stars). 3 submissions from 3 submitters: Uncertain significance (3). Last evaluated 2026-03-30.

Conditions:
Van Maldergem syndrome 2 (VMLDS2). Identifiers: Orphanet 314679, MedGen C3809875, MONDO:0014242, OMIM 615546.
Hennekam lymphangiectasia-lymphedema syndrome 2 (HKLLS2). Identifiers: Orphanet 2136, MedGen C4014939, MONDO:0014454, OMIM 616006.

Allele frequency attached by ClinVar (database versions not stated): ExAC 0.00002; gnomAD exomes 0.00003; gnomAD 0.00005; TOPMed 0.00005.
gnomAD v4.1: 56 of 1,613,766 alleles (0.0035%); highest among the groups gnomAD compares: South Asian, 0.0088%; no homozygotes.

Submissions (3):

GeneDx
Classification: Uncertain significance. Last evaluated: 2026-03-30. Review status: criteria provided, single submitter. Criteria: GeneDx Variant Classification Process June 2021. Collection method: clinical testing. Allele origin: germline.
Comment: Not observed at significant frequency in large population cohorts (gnomAD); In silico analysis suggests that this missense variant does not alter protein structure/function; Has not been previously published as pathogenic or benign to our knowledge

Fulgent Genetics
Classification: Uncertain significance for Van Maldergem syndrome 2; Hennekam lymphangiectasia-lymphedema syndrome 2. Last evaluated: 2024-05-21. Review status: criteria provided, single submitter. Criteria: ACMG Guidelines, 2015. Collection method: clinical testing. Allele origin: germline.

Labcorp Genetics (formerly Invitae), Labcorp
Classification: Uncertain significance. Last evaluated: 2024-04-29. Review status: criteria provided, single submitter. Criteria: Invitae Variant Classification Sherloc (09022015). Collection method: clinical testing. Allele origin: germline.
Comment: This sequence change replaces alanine, which is neutral and non-polar, with threonine, which is neutral and polar, at codon 2525 of the FAT4 protein (p.Ala2525Thr). This variant is present in population databases (rs201007539, gnomAD 0.006%). This variant has not been reported in the literature in individuals affected with FAT4-related conditions. ClinVar contains an entry for this variant (Variation ID: 1494253). Advanced modeling of protein sequence and biophysical properties (such as structural, functional, and spatial information, amino acid conservation, physicochemical variation, residue mobility, and thermodynamic stability) performed at Invitae indicates that this missense variant is not expected to disrupt FAT4 protein function with a negative predictive value of 95%. In summary, the available evidence is currently insufficient to determine the role of this variant in disease. Therefore, it has been classified as a Variant of Uncertain Significance.